The following is an entry in ClinVar:

NM_024334.3(TMEM43):c.504A>T (p.Lys168Asn)

Gene: TMEM43 (transmembrane protein 43; plus strand). Cytogenetic location: 3p25.1.
Variant type: single nucleotide variant.
Coding change: c.504A>T on transcript NM_024334.3 (MANE Select); coding-DNA position 504, A replaced by T.
Protein change: p.Lys168Asn; replaces lysine 168 with asparagine.
Molecular consequence: missense variant.
Genome position (GRCh38, 1-based): chr3:14,132,927, A>T. VCF-style: chr3-14132927-A-T. GRCh37 (hg19) VCF-style: chr3-14174427-A-T.
Other names: p.K168N:AAA>AAT; short protein forms K168N.
Identifiers: ClinVar variation 46148 (VCV000046148.45), dbSNP rs4685076, ClinGen allele CA024706.

ClinVar aggregate classification (germline): Benign. Review status: criteria provided, multiple submitters, no conflicts (2 of 4 stars). 21 submissions from 20 submitters: Benign (15). 6 of the submissions do not count toward it. Last evaluated 2026-02-04.

Conditions:
Cardiovascular phenotype. Identifiers: MedGen CN230736.
Emery-Dreifuss muscular dystrophy 7, autosomal dominant (EDMD7). Also called: Emery-Dreifuss muscular dystrophy 7, AD. Identifiers: Orphanet 261, MedGen C3553060, MONDO:0013677, OMIM 614302.
Cardiomyopathy (CMYO). Also called: Cardiomyopathies. Identifiers: Orphanet 167848, MedGen C0878544, MONDO:0004994, HP:0001638. Inheritance: Various modes of inheritance.
Arrhythmogenic right ventricular dysplasia 5. Also called: Arrhythmogenic Right Ventricular Dysplasia/Cardiomyopathy 5; ARRHYTHMOGENIC RIGHT VENTRICULAR DYSPLASIA, FAMILIAL, 5. Identifiers: MedGen C1858379, MONDO:0011459, OMIM 604400.

Allele frequency attached by ClinVar (database versions not stated): gnomAD 0.29561 and 0.29043; ExAC 0.32087; ESP Exome Variant Server 0.28756; TOPMed 0.30009; 1000 Genomes Project 30x 0.35119; 1000 Genomes Project 0.35264.
gnomAD v4.1: 488,920 of 1,612,400 alleles (30%); highest among the groups gnomAD compares: Admixed American, 39%; 75,839 homozygotes.

Submissions (21):

Labcorp Genetics (formerly Invitae), Labcorp
Classification: Benign for Arrhythmogenic right ventricular dysplasia 5. Last evaluated: 2026-02-04. Review status: criteria provided, single submitter. Criteria: Invitae Variant Classification Sherloc (09022015). Collection method: clinical testing. Allele origin: germline.

All of Us Research Program, National Institutes of Health
Classification: Benign for Arrhythmogenic right ventricular dysplasia 5. Last evaluated: 2024-10-02. Review status: criteria provided, single submitter. Criteria: ACMG Guidelines, 2015. Collection method: clinical testing. Allele origin: germline. Inheritance: Autosomal dominant inheritance. Observed: 72,785 variant alleles, 59,365 heterozygotes, 13,411 homozygotes, 9 hemizygotes.
Comment: This study involves interpretation of variants in research participants for the purpose of population health screening. Participant phenotype was not available at the time of variant classification. Additional details can be found in publication PMID: 35346344, PMCID: PMC8962531

Genome-Nilou Lab
Classification: Benign for Arrhythmogenic right ventricular dysplasia 5. Last evaluated: 2021-09-10. Review status: criteria provided, single submitter. Criteria: ACMG Guidelines, 2015. Collection method: clinical testing. Allele origin: germline. Affected: no.

Genome-Nilou Lab
Classification: Benign for Emery-Dreifuss muscular dystrophy 7, autosomal dominant. Last evaluated: 2021-09-10. Review status: criteria provided, single submitter. Criteria: ACMG Guidelines, 2015. Collection method: clinical testing. Allele origin: germline. Affected: no.

Molecular Diagnostic Laboratory for Inherited Cardiovascular Disease, Montreal Heart Institute
Classification: Benign. Last evaluated: 2020-05-31. Review status: criteria provided, single submitter. Criteria: ACMG Guidelines, 2015. Collection method: clinical testing. Allele origin: germline. Affected: yes.

Color Diagnostics, LLC DBA Color Health
Classification: Benign for Cardiomyopathy. Last evaluated: 2018-03-15. Review status: criteria provided, single submitter. Criteria: ACMG Guidelines, 2015. Collection method: clinical testing. Allele origin: germline.

Mayo Clinic Laboratories, Mayo Clinic
Classification: Benign. Last evaluated: 2017-07-21. Review status: criteria provided, single submitter. Criteria: ACMG Guidelines, 2015. Collection method: clinical testing. Allele origin: germline. Observed: 1,012 variant alleles.

Ambry Genetics
Classification: Benign for Cardiovascular phenotype. Last evaluated: 2015-03-11. Review status: criteria provided, single submitter. Criteria: Ambry Variant Classification Scheme 2023. Collection method: clinical testing. Allele origin: germline.

Genetic Services Laboratory, University of Chicago
Classification: Benign for AllHighlyPenetrant. Last evaluated: 2013-08-15. Review status: criteria provided, single submitter. Criteria: ACMG Guidelines, 2007. Collection method: clinical testing. Allele origin: germline. Inheritance: Autosomal dominant inheritance.

Biesecker Lab/Clinical Genomics Section, National Institutes of Health
Classification: Benign. Last evaluated: 2013-06-24. Review status: criteria provided, single submitter. Criteria: Ng et al. (Circ Cardiovasc Genet. 2013). Collection method: research. Allele origin: unknown. Observed: 425 variant alleles. Study: ClinSeq.
Comment: The study set was not selected for affection status in relation to any cancer. Pathogenicity categories were based on literature curation. See Pubmed ID:23861362 for details.

Medical sequencing

Eurofins Ntd Llc (ga)
Classification: Benign. Last evaluated: 2013-06-11. Review status: criteria provided, single submitter. Criteria: EGL Classification Definitions 2015. Collection method: clinical testing. Allele origin: germline. Observed: 1 variant allele, 1 heterozygote.

GeneDx
Classification: Benign. Last evaluated: 2011-08-08. Review status: criteria provided, single submitter. Criteria: GeneDx Variant Classification (06012015). Collection method: clinical testing. Allele origin: germline. Affected: yes.
Comment: This variant is considered likely benign or benign based on one or more of the following criteria: it is a conservative change, it occurs at a poorly conserved position in the protein, it is predicted to be benign by multiple in silico algorithms, and/or has population frequency not consistent with disease.

Laboratory for Molecular Medicine, Mass General Brigham Personalized Medicine
Classification: Benign. Last evaluated: 2008-11-24. Review status: criteria provided, single submitter. Criteria: LMM Criteria. Collection method: clinical testing. Allele origin: germline. Observed: 979 variant alleles.

Breakthrough Genomics
Classification: Benign. Review status: criteria provided, single submitter. Criteria: ACMG Guidelines, 2015. Collection method: not provided. Allele origin: germline. Inheritance: Autosomal dominant inheritance. Affected: yes.

PreventionGenetics, part of Exact Sciences
Classification: Benign. Review status: criteria provided, single submitter. Criteria: ACMG Guidelines, 2015. Collection method: clinical testing. Allele origin: germline.

Cohesion Phenomics
Classification: Benign for Cardiomyopathy. Last evaluated: 2022-09-23. Review status: no assertion criteria provided. Criteria: ACMG Guidelines, 2015. Collection method: clinical testing. Allele origin: germline. Affected: yes. Not counted in ClinVar's aggregate classification.

Clinical Genetics DNA and cytogenetics Diagnostics Lab, Erasmus MC, Erasmus Medical Center
Classification: Benign. Review status: no assertion criteria provided. Collection method: clinical testing. Allele origin: germline. Affected: yes. Study: VKGL Data-share Consensus. Not counted in ClinVar's aggregate classification.

Clinical Genetics, Academic Medical Center
Classification: Benign. Review status: no assertion criteria provided. Collection method: clinical testing. Allele origin: germline. Affected: yes. Study: VKGL Data-share Consensus. Not counted in ClinVar's aggregate classification.

Diagnostic Laboratory, Department of Genetics, University Medical Center Groningen
Classification: Benign. Review status: no assertion criteria provided. Collection method: clinical testing. Allele origin: germline. Affected: yes. Study: VKGL Data-share Consensus. Not counted in ClinVar's aggregate classification.

Genome Diagnostics Laboratory, University Medical Center Utrecht
Classification: Benign. Review status: no assertion criteria provided. Collection method: clinical testing. Allele origin: germline. Affected: yes. Study: VKGL Data-share Consensus. Not counted in ClinVar's aggregate classification.

Joint Genome Diagnostic Labs from Nijmegen and Maastricht, Radboudumc and MUMC+
Classification: Benign. Review status: no assertion criteria provided. Collection method: clinical testing. Allele origin: germline. Affected: yes. Study: VKGL Data-share Consensus. Not counted in ClinVar's aggregate classification.